The following is an entry in ClinVar:

ClinVar aggregate classification (germline): Uncertain significance (0 of 4 stars; one submission).

Conditions:
FBXO28-related disorder. Also called: FBXO28-related condition.

Submission:

PreventionGenetics, part of Exact Sciences
Classification: Uncertain significance for FBXO28-related condition. Last evaluated: 2023-11-15. Review status: no assertion criteria provided. Collection method: clinical testing. Allele origin: germline.
Comment: The FBXO28 c.553A>G variant is predicted to result in the amino acid substitution p.Asn185Asp. To our knowledge, this variant has not been reported in the literature or in a large population database, indicating this variant is rare. At this time, the clinical significance of this variant is uncertain due to the absence of conclusive functional and genetic evidence.

NM_015176.4(FBXO28):c.553A>G (p.Asn185Asp)

Gene: FBXO28 (F-box protein 28; plus strand). Cytogenetic location: 1q42.11.
Variant type: single nucleotide variant.
Coding change: c.553A>G on transcript NM_015176.4 (MANE Select); coding-DNA position 553, A replaced by G.
Protein change: p.Asn185Asp; replaces asparagine 185 with aspartic acid.
Molecular consequence: missense variant. On other transcripts: non-coding transcript variant (1), intron variant (1).
Genome position (GRCh38, 1-based): chr1:224,153,178, A>G. VCF-style: chr1-224153178-A-G. GRCh37 (hg19) VCF-style: chr1-224340880-A-G.
Other names: c.517-4174A>G (NM_001136115.3); short protein forms N185D.
Identifiers: ClinVar variation 3044320 (VCV003044320.2), dbSNP rs2527197379, ClinGen allele CA344704521.
Genomic context (GRCh38, chr1:224,153,178, plus strand): 5'-GCTAATGAGAATTCATTATTTTAGGTGATTGATGAGATTTATCGTGTGTTGAGATATGTC[A>G]ATTCTACCAGAGCCCCTCAACGAGCTCATGAAGTACTTCAAGAATTAAGGGATATATCCT-3'
Protein context (NP_055991.1, residues 175-195): DEIYRVLRYV[Asn185Asp]STRAPQRAHE